The following is an entry in ClinVar:

NM_001079872.2(CUL4B):c.2652T>C (p.Asp884=)

Gene: CUL4B (cullin 4B; minus strand). Cytogenetic location: Xq24.
Variant type: single nucleotide variant.
Coding change: c.2652T>C on transcript NM_001079872.2 (MANE Select); coding-DNA position 2652, T replaced by C.
Protein change: p.Asp884=; no amino-acid change (aspartic acid 884 retained).
Molecular consequence: synonymous variant.
Genome position (GRCh38, 1-based): chrX:120,526,797, A>G on the plus strand (T>C on the coding strand, the complement: CUL4B is on the minus strand). VCF-style: chrX-120526797-A-G. GRCh37 (hg19) VCF-style: chrX-119660652-A-G.
Other names: c.2667T>C, p.Asp889= (NM_001330624.2); c.2118T>C, p.Asp706= (NM_001369145.1); c.2706T>C, p.Asp902= (NM_003588.4).
Identifiers: ClinVar variation 1794991 (VCV001794991.5), dbSNP rs768424127, ClinGen allele CA334118118.

ClinVar aggregate classification (germline): Likely benign. Review status: criteria provided, multiple submitters, no conflicts (2 of 4 stars). 3 submissions from 3 submitters: Likely benign (2). 1 of the submissions does not count toward it. Last evaluated 2021-12-04.

Conditions:
CUL4B-related disorder. Also called: CUL4B-related condition.
Inborn genetic diseases. Identifiers: MedGen C0950123, MeSH D030342.

Allele frequency attached by ClinVar (database versions not stated): gnomAD 0.00002.
gnomAD v4.1: 14 of 1,196,164 alleles (0.0012%); highest among the groups gnomAD compares: Non-Finnish European, 0.0012%; no homozygotes.

Submissions (3):

Blueprint Genetics
Classification: Likely benign. Last evaluated: 2021-12-04. Review status: criteria provided, single submitter. Criteria: ACMG Guidelines, 2015. Collection method: clinical testing. Allele origin: germline.

Ambry Genetics
Classification: Likely benign for Inborn genetic diseases. Last evaluated: 2020-07-30. Review status: criteria provided, single submitter. Criteria: Ambry Variant Classification Scheme 2023. Collection method: clinical testing. Allele origin: germline.

PreventionGenetics, part of Exact Sciences
Classification: Likely benign for CUL4B-related condition. Last evaluated: 2022-02-17. Review status: no assertion criteria provided. Collection method: clinical testing. Allele origin: germline. Not counted in ClinVar's aggregate classification.
Comment: This variant is classified as likely benign based on ACMG/AMP sequence variant interpretation guidelines (Richards et al. 2015 PMID: 25741868, with internal and published modifications).